The following is an entry in ClinVar:

NM_000218.3(KCNQ1):c.1514+35672_1514+35674del

Genes: KCNQ1 (potassium voltage-gated channel subfamily Q member 1; plus strand), KCNQ1OT1 (KCNQ1 opposite strand/antisense transcript 1; minus strand). Cytogenetic location: 11p15.5.
Variant type: Microsatellite.
Coding change: c.1514+35672_1514+35674del on transcript NM_000218.3 (MANE Select); bases 35672 to 35674 of the intron after coding-DNA position 1514, 3 bases deleted (ATT; older notation c.1514+35672_1514+35674delATT).
Molecular consequence: intron variant. On other transcripts: non-coding transcript variant (1).
Genome position (GRCh38, 1-based): chr11:2,697,753-2,697,755, ATT deleted; deleting any 3 consecutive bases within chr11:2,697,749-2,697,755 gives the same sequence; the c. name uses the placement nearest the transcript's 3' end. VCF-style (leftmost placement, unchanged base first): chr11-2697748-ATAT-A. GRCh37 (hg19) VCF-style: chr11-2718978-ATAT-A.
Other names: c.1244+35672_1244+35674del (NM_001406837.1); c.1418+35672_1418+35674del (NM_001406836.1); c.974+35672_974+35674del (NM_001406838.1); c.1133+35672_1133+35674del (NM_181798.2); c.1514+35672_1514+35674delATT (NM_000218.2).
Identifiers: ClinVar variation 2641497 (VCV002641497.25), dbSNP rs558407852, ClinGen allele CA216197323.

ClinVar aggregate classification (germline): Likely benign. Review status: criteria provided, single submitter (1 of 4 stars). 2 submissions from 2 submitters: Likely benign (1). 1 of the submissions does not count toward it. Last evaluated 2026-09-01.

Conditions:
KCNQ1-related disorder. Also called: KCNQ1-related disorders; KCNQ1-related condition. Identifiers: MedGen CN239322.

Submissions (2):

CeGaT Center for Human Genetics Tuebingen
Classification: Likely benign. Last evaluated: 2026-09-01. Review status: criteria provided, single submitter. Criteria: CeGaT Center For Human Genetics Tuebingen Variant Classification Criteria Version 2. Collection method: clinical testing. Allele origin: germline. Affected: yes. Observed: 24 variant alleles.
Comment: KCNQ1OT1: BS2

PreventionGenetics, part of Exact Sciences
Classification: Likely benign for KCNQ1-related condition. Last evaluated: 2022-03-16. Review status: no assertion criteria provided. Collection method: clinical testing. Allele origin: germline. Not counted in ClinVar's aggregate classification.
Comment: This variant is classified as likely benign based on ACMG/AMP sequence variant interpretation guidelines (Richards et al. 2015 PMID: 25741868, with internal and published modifications).